The following is an entry in ClinVar:

ClinVar aggregate classification (germline): Benign/Likely benign. Review status: criteria provided, multiple submitters, no conflicts (2 of 4 stars). 2 submissions from 2 submitters: Benign (1); Likely benign (1). Last evaluated 2026-06-18.

Conditions:
Hereditary breast ovarian cancer syndrome. Also called: BRCA1- and BRCA2-Associated Hereditary Breast and Ovarian Cancer; Hereditary breast and ovarian cancer syndrome (HBOC); Hereditary breast and ovarian cancer syndrome; Breast and ovarian cancer; Hereditary breast and ovarian cancer; Hereditary breast and/or ovarian cancer syndrome. Identifiers: Orphanet 145, MedGen C0677776, MeSH D061325, MONDO:0003582. Disease mechanism: loss of function.
Breast-ovarian cancer, familial, susceptibility to, 1 (BROVCA1). Also called: OVARIAN CANCER, SUSCEPTIBILITY TO; BRCA1 Hereditary Breast and Ovarian Cancer. Identifiers: Orphanet 145, MedGen C2676676, MONDO:0011450, OMIM 604370. Disease mechanism: loss of function.

Allele frequency attached by ClinVar (database versions not stated): TOPMed 0.00001.
gnomAD v4.1: 2 of 1,584,398 alleles (0.00013%); highest among the groups gnomAD compares: African/African-American, 0.0027%; no homozygotes.

Submissions (2):

Myriad Genetics, Inc.
Classification: Benign for Breast-ovarian cancer, familial, susceptibility to, 1. Last evaluated: 2026-06-18. Review status: criteria provided, single submitter. Criteria: Myriad Autosomal Dominant, Autosomal Recessive and X-Linked Classification Criteria (2023). Collection method: clinical testing. Allele origin: unknown.
Comment: This variant is considered benign. This variant is intronic and is not expected to impact mRNA splicing. This variant is strongly associated with less severe personal and family histories of cancer, typical for individuals without pathogenic variants in this gene [PMID: 25085752].

Labcorp Genetics (formerly Invitae), Labcorp
Classification: Likely benign for Hereditary breast ovarian cancer syndrome. Last evaluated: 2025-06-20. Review status: criteria provided, single submitter. Criteria: Invitae Variant Classification Sherloc (09022015). Collection method: clinical testing. Allele origin: germline.

Literature cited by the submitters: PubMed 25085752 (cited by Myriad Genetics, Inc.).

NM_007294.4(BRCA1):c.4987-20A>C

Gene: BRCA1 (BRCA1 DNA repair associated; minus strand). Cytogenetic location: 17q21.31.
Variant type: single nucleotide variant.
Coding change: c.4987-20A>C on transcript NM_007294.4 (MANE Select); 20 bases into the intron before coding-DNA position 4987, A replaced by C.
Molecular consequence: intron variant.
Genome position (GRCh38, 1-based): chr17:43,067,715, T>G on the plus strand (A>C on the coding strand, the complement: BRCA1 is on the minus strand). VCF-style: chr17-43067715-T-G. GRCh37 (hg19) VCF-style: chr17-41219732-T-G.
Other names: c.1534-20A>C (NM_001408458.1, NM_001408461.1, NM_001408464.1 and 7 more transcripts); c.4096-20A>C (NM_001407967.1); c.4606-20A>C (NM_001407959.1); c.4720-20A>C (NM_001407931.1, NM_001407932.1, NM_001407928.1 and 4 more transcripts); c.4843-20A>C (NM_001407747.1, NM_001407745.1, NM_001407737.1 and 21 more transcripts); c.4603-20A>C (NM_001407962.1, NM_001407960.1); c.1174-20A>C (NM_001408512.1); c.1297-20A>C (NM_001408510.1); and 71 more.
Identifiers: ClinVar variation 762202 (VCV000762202.13), dbSNP rs80358035, ClinGen allele CA772177210.